The following is an entry in ClinVar:

NM_013275.6(ANKRD11):c.967T>C (p.Phe323Leu)

Gene: ANKRD11 (ankyrin repeat domain containing 11; minus strand). Cytogenetic location: 16q24.3.
Variant type: single nucleotide variant.
Coding change: c.967T>C on transcript NM_013275.6 (MANE Select); coding-DNA position 967, T replaced by C.
Protein change: p.Phe323Leu; replaces phenylalanine 323 with leucine.
Molecular consequence: missense variant.
Genome position (GRCh38, 1-based): chr16:89,285,575, A>G on the plus strand (T>C on the coding strand, the complement: ANKRD11 is on the minus strand). VCF-style: chr16-89285575-A-G. GRCh37 (hg19) VCF-style: chr16-89351983-A-G.
Other names: c.967T>C, p.Phe323Leu (NM_001256182.2, NM_001256183.2); short protein forms F323L.
Identifiers: ClinVar variation 1767778 (VCV001767778.2), dbSNP rs2544246829, ClinGen allele CA397166059.

ClinVar aggregate classification (germline): Uncertain significance (1 of 4 stars; one submission).

Conditions:
Inborn genetic diseases. Identifiers: MedGen C0950123, MeSH D030342.

Submission:

Ambry Genetics
Classification: Uncertain significance for Inborn genetic diseases. Last evaluated: 2018-06-26. Review status: criteria provided, single submitter. Criteria: Ambry Variant Classification Scheme 2023. Collection method: clinical testing. Allele origin: germline.
Comment: The p.F323L variant (also known as c.967T>C), located in coding exon 7 of the ANKRD11 gene, results from a T to C substitution at nucleotide position 967. The phenylalanine at codon 323 is replaced by leucine, an amino acid with highly similar properties. This amino acid position is well conserved in available vertebrate species. In addition, this alteration is predicted to be tolerated by in silico analysis. Since supporting evidence is limited at this time, the clinical significance of this alteration remains unclear.